The following is an entry in ClinVar:

NM_001267550.2(TTN):c.101531C>T (p.Thr33844Ile)

Genes: TTN (titin; minus strand), TTN-AS1 (TTN antisense RNA 1; plus strand). Cytogenetic location: 2q31.2.
Variant type: single nucleotide variant.
Coding change: c.101531C>T on transcript NM_001267550.2 (MANE Select); coding-DNA position 101531, C replaced by T.
Protein change: p.Thr33844Ile; replaces threonine 33844 with isoleucine.
Molecular consequence: missense variant.
Genome position (GRCh38, 1-based): chr2:178,535,084, G>A on the plus strand (C>T on the coding strand, the complement: TTN is on the minus strand). VCF-style: chr2-178535084-G-A. GRCh37 (hg19) VCF-style: chr2-179399811-G-A.
Other names: c.96608C>T, p.Thr32203Ile (NM_001256850.1); c.74336C>T, p.Thr24779Ile (NM_003319.4); c.93827C>T, p.Thr31276Ile (NM_133378.4); c.74711C>T, p.Thr24904Ile (NM_133432.3); c.74912C>T, p.Thr24971Ile (NM_133437.4); short protein forms T24904I, T31276I, T33844I, T24779I, T24971I, T32203I.
Identifiers: ClinVar variation 4978483 (VCV004978483.1).
Genomic context (GRCh38, chr2:178,535,084, plus strand): 5'-ATTTCCTTCTTTACCAAAACCTGATCAGTCCCTTTGACTTTAACAAATTTGGCCATGTAT[G>A]TCTTCTTTGAGGATGTTTCAACACAACGATGGACAATTCCAAACTCACCACGCCCAAGAT-3'
Protein context (NP_001254479.2, residues 33834-33854): HRCVETSSKK[Thr33844Ile]YMAKFVKVKG

ClinVar aggregate classification (germline): Uncertain significance (1 of 4 stars; one submission).

Conditions:
TTN-related disorder. Also called: TTN-related condition; TTN-related disease; TTN-related disorders.

Submission:

PreventionGenetics, part of Exact Sciences
Classification: Uncertain significance for TTN-related condition. Last evaluated: 2025-07-08. Review status: criteria provided, single submitter. Criteria: ACMG Guidelines, 2015. Collection method: clinical testing. Allele origin: germline.
Comment: The TTN c.101531C>T variant is predicted to result in the amino acid substitution p.Thr33844Ile. To our knowledge, this variant has not been reported in the literature. This variant is reported in 0.00089% of alleles in individuals of European (Non-Finnish) descent in gnomAD. At this time, the clinical significance of this variant is uncertain due to the absence of conclusive functional and genetic evidence.